The following is an entry in ClinVar:

NM_001009944.3(PKD1):c.2882C>T (p.Ser961Leu)

Gene: PKD1 (polycystin 1, transient receptor potential channel interacting; minus strand). Cytogenetic location: 16p13.3.
Variant type: single nucleotide variant.
Coding change: c.2882C>T on transcript NM_001009944.3 (MANE Select); coding-DNA position 2882, C replaced by T.
Protein change: p.Ser961Leu; replaces serine 961 with leucine.
Molecular consequence: missense variant.
Genome position (GRCh38, 1-based): chr16:2,113,264, G>A on the plus strand (C>T on the coding strand, the complement: PKD1 is on the minus strand). VCF-style: chr16-2113264-G-A. GRCh37 (hg19) VCF-style: chr16-2163265-G-A.
Other names: c.2882C>T, p.Ser961Leu (NM_000296.4); short protein forms S961L.
Identifiers: ClinVar variation 997366 (VCV000997366.1), dbSNP rs1409614100, ClinGen allele CA394385748.

ClinVar aggregate classification (germline): Uncertain significance (0 of 4 stars; one submission).

Conditions:
Polycystic kidney disease. Also called: Polycystic kidney dysplasia; Kidney, Polycystic. Identifiers: MedGen C0022680, MeSH D007690, MONDO:0020642, HP:0000113.

Allele frequency attached by ClinVar (database versions not stated): gnomAD exomes below 0.00001; gnomAD 0.00001.

Submission:

Department of Pathology and Laboratory Medicine, Sinai Health System
Classification: Uncertain significance for Polycystic Kidney disease. Review status: no assertion criteria provided. Collection method: clinical testing. Allele origin: unknown. Affected: yes. Study: The Canadian Open Genetics Repository (COGR).
Comment: The PKD1 p.Ser961Leu variant was not identified in the literature nor was it identified in the ClinVar, LOVD 3.0, ADPKD Mutation Database and PKD1-LOVD databases. The variant was identified in dbSNP (rs1409614100) as â€šÃ„ÃºNAâ€šÃ„Ã¹. The variant was identified in control databases in 2 of 236,232 chromosomes at a frequency of 0.000008 (Genome Aggregation Database Feb 27, 2017). The variant was observed in the following populations: European in 1 of 109,602 chromosomes (freq: 0.000009), and South Asian in 1 of 24,390 chromosomes (freq: 0.00004). The variant was not observed in the African, Other, Latino, Ashkenazi Jewish, East Asian and Finnish populations. In addition we cannot be certain that data from control databases is specific to PKD1 and not from one of the six PKD1 pseudogenes. The p.Ser961 residue is conserved in mammals but not in more distantly related organisms, and computational analyses (PolyPhen-2, SIFT, AlignGVGD, BLOSUM, MutationTaster) suggest that the variant may impact the protein; however, this information is not predictive enough to assume pathogenicity. The variant occurs outside of the splicing consensus sequence and in silico or computational prediction software programs (SpliceSiteFinder, MaxEntScan, NNSPLICE, GeneSplicer) do not predict a difference in splicing. In summary, based on the above information the clinical significance of this variant cannot be determined with certainty at this time. This variant is classified as a variant of uncertain significance.